The following is an entry in ClinVar:

ClinVar aggregate classification (germline): Uncertain significance (1 of 4 stars; one submission).

Submission:

Ambry Genetics
Classification: Uncertain significance. Last evaluated: 2025-03-18. Review status: criteria provided, single submitter. Criteria: Ambry Variant Classification Scheme 2023. Collection method: clinical testing. Allele origin: germline.
Comment: The p.D524G variant (also known as c.1571A>G), located in coding exon 1 of the MLH3 gene, results from an A to G substitution at nucleotide position 1571. The aspartic acid at codon 524 is replaced by glycine, an amino acid with similar properties. This amino acid position is conserved. In addition, this alteration is predicted to be tolerated by in silico analysis. Based on the available evidence, the clinical significance of this variant remains unclear.

NM_001040108.2(MLH3):c.1571A>G (p.Asp524Gly)

Gene: MLH3 (mutL homolog 3; minus strand). Cytogenetic location: 14q24.3.
Variant type: single nucleotide variant.
Coding change: c.1571A>G on transcript NM_001040108.2 (MANE Select); coding-DNA position 1571, A replaced by G.
Protein change: p.Asp524Gly; replaces aspartic acid 524 with glycine.
Molecular consequence: missense variant.
Genome position (GRCh38, 1-based): chr14:75,048,085, T>C on the plus strand (A>G on the coding strand, the complement: MLH3 is on the minus strand). VCF-style: chr14-75048085-T-C. GRCh37 (hg19) VCF-style: chr14-75514788-T-C.
Other names: c.1571A>G, p.Asp524Gly (NM_014381.3); short protein forms D524G.
Identifiers: ClinVar variation 4055452 (VCV004055452.1).